The following is an entry in ClinVar:

NM_018723.4(RBFOX1):c.857C>G (p.Ala286Gly)

Gene: RBFOX1 (RNA binding fox-1 homolog 1; plus strand). Cytogenetic location: 16p13.3.
Variant type: single nucleotide variant.
Coding change: c.857C>G on transcript NM_018723.4 (MANE Select); coding-DNA position 857, C replaced by G.
Protein change: p.Ala286Gly; replaces alanine 286 with glycine.
Molecular consequence: missense variant.
Genome position (GRCh38, 1-based): chr16:7,653,914, C>G. VCF-style: chr16-7653914-C-G. GRCh37 (hg19) VCF-style: chr16-7703916-C-G.
Other names: c.776C>G, p.Ala259Gly (NM_001142333.2); c.857C>G, p.Ala286Gly (NM_001142334.2, NM_001364800.2); c.986C>G, p.Ala329Gly (NM_001308117.1, NM_001411047.1, NM_001415891.1 and 1 more transcripts); c.1454C>G, p.Ala485Gly (NM_001415887.1); c.1373C>G, p.Ala458Gly (NM_001415888.1); c.965C>G, p.Ala322Gly (NM_001415889.1, NM_001415892.1, NM_001415894.1 and 1 more transcripts); c.932C>G, p.Ala311Gly (NM_001415890.1, NM_001415893.1, NM_001415899.1 and 1 more transcripts); c.917C>G, p.Ala306Gly (NM_001415896.1, NM_001415904.1, NM_145891.3 and 2 more transcripts); and 12 more; short protein forms A261G, A271G, A284G, A298G, A306G, A458G, A295G, A302G.
Identifiers: ClinVar variation 4701901 (VCV004701901.1).
Genomic context (GRCh38, chr16:7,653,914, plus strand): 5'-CCTACCGAGGGGCGCACCTGCGAGGCCGCGGTCGCACCGTGTACAACACCTTCAGGGCCG[C>G]GGCGCCCCCGCCCCCGATCCCGGCCTACGGCGGGTAAGTGGGGCAGCCTCCTGGGTGGGC-3'
Protein context (NP_061193.2, residues 276-296): GRTVYNTFRA[Ala286Gly]APPPPIPAYG

ClinVar aggregate classification (germline): Uncertain significance (1 of 4 stars; one submission).

Conditions:
Idiopathic generalized epilepsy. Also called: EIG; Generalised epilepsy. Identifiers: MedGen C0270850, MONDO:0005579, OMIM 600669.

Submission:

Labcorp Genetics (formerly Invitae), Labcorp
Classification: Uncertain significance for Idiopathic generalized epilepsy. Last evaluated: 2025-06-15. Review status: criteria provided, single submitter. Criteria: Invitae Variant Classification Sherloc (09022015). Collection method: clinical testing. Allele origin: germline.
Comment: This sequence change replaces alanine, which is neutral and non-polar, with glycine, which is neutral and non-polar, at codon 306 of the RBFOX1 protein (p.Ala306Gly). This variant is not present in population databases (gnomAD no frequency). This variant has not been reported in the literature in individuals affected with RBFOX1-related conditions. An algorithm developed to predict the effect of missense changes on protein structure and function (PolyPhen-2) suggests that this variant is likely to be disruptive. In summary, the available evidence is currently insufficient to determine the role of this variant in disease. Therefore, it has been classified as a Variant of Uncertain Significance.